The following is an entry in ClinVar:

ClinVar aggregate classification (germline): Uncertain significance (1 of 4 stars; one submission).

Submission:

GeneDx
Classification: Uncertain significance. Last evaluated: 2024-05-07. Review status: criteria provided, single submitter. Criteria: GeneDx Variant Classification Process June 2021. Collection method: clinical testing. Allele origin: germline. Affected: yes.
Comment: Not observed at significant frequency in large population cohorts (gnomAD); Has not been previously published as pathogenic or benign to our knowledge; In silico analysis is inconclusive as to whether the variant alters gene splicing. In the absence of RNA/functional studies, the actual effect of this sequence change is unknown.

NM_018896.5(CACNA1G):c.1925-12_1925-8del

Gene: CACNA1G (calcium voltage-gated channel subunit alpha1 G; plus strand). Cytogenetic location: 17q21.33.
Variant type: Deletion.
Coding change: c.1925-12_1925-8del on transcript NM_018896.5 (MANE Select); 12 bases into the intron before coding-DNA position 1925 through 8 bases into the intron before coding-DNA position 1925, 5 bases deleted (CTCCT; older notation c.1925-12_1925-8delCTCCT).
Molecular consequence: intron variant.
Genome position (GRCh38, 1-based): chr17:50,578,176-50,578,180, CTCCT deleted; deleting any 5 consecutive bases within chr17:50,578,174-50,578,180 gives the same sequence; the c. name uses the placement nearest the transcript's 3' end. VCF-style (leftmost placement, unchanged base first): chr17-50578173-ACTCTC-A. GRCh37 (hg19) VCF-style: chr17-48655534-ACTCTC-A.
Other names: c.1925-12_1925-8del (NM_001256325.2, NM_198377.3, NM_198380.3 and 24 more transcripts).
Identifiers: ClinVar variation 3375796 (VCV003375796.1).